The following is an entry in ClinVar:

NM_002206.3(ITGA7):c.3349A>G (p.Ile1117Val)

Gene: ITGA7 (integrin subunit alpha 7; minus strand). Cytogenetic location: 12q13.2.
Variant type: single nucleotide variant.
Coding change: c.3349A>G on transcript NM_002206.3 (MANE Select); coding-DNA position 3349, A replaced by G.
Protein change: p.Ile1117Val; replaces isoleucine 1117 with valine.
Molecular consequence: missense variant.
Genome position (GRCh38, 1-based): chr12:55,685,123, T>C on the plus strand (A>G on the coding strand, the complement: ITGA7 is on the minus strand). VCF-style: chr12-55685123-T-C. GRCh37 (hg19) VCF-style: chr12-56078907-T-C.
Other names: c.3361A>G, p.Ile1121Val (NM_001144996.2); c.3070A>G, p.Ile1024Val (NM_001144997.2); c.3022A>G, p.Ile1008Val (NM_001367993.1); c.2005A>G, p.Ile669Val (NM_001367994.1); c.3331A>G, p.Ile1111Val (NM_001374465.1); c.3481A>G, p.Ile1161Val (NM_001410977.1); c.3343A>G, p.Ile1115Val (NM_001414029.1); c.3274A>G, p.Ile1092Val (NM_001414030.1); and 5 more; short protein forms I1077V, I1111V, I1115V, I1004V, I1008V, I1088V, I1092V, I1024V.
Identifiers: ClinVar variation 2050030 (VCV002050030.4), dbSNP rs1482793424, ClinGen allele CA385180082.
Genomic context (GRCh38, chr12:55,685,123, plus strand): 5'-CGGTGCCTGGCCCTGGATGCCCATCGGGGCCCAGCTCGGGATGCCCGTCAGCAGCCAGGA[T>C]GGGGTGTGCATCCGGGCCCTCCCGCCGGGGGCTGCCCCAGTTGTTCCTCAGGATGGTGCC-3'
Protein context (NP_002197.2, residues 1107-1127): PRREGPDAHP[Ile1117Val]LAADGHPELG

ClinVar aggregate classification (germline): Uncertain significance (1 of 4 stars; one submission).

Conditions:
Congenital muscular dystrophy due to integrin alpha-7 deficiency. Also called: Congenital muscular dystrophy with integrin alpha-7 deficiency; Muscular dystrophy, congenital, due to ITGA7 deficiency; MYOPATHY, CONGENITAL, DUE TO INTEGRIN ALPHA-7 DEFICIENCY. Identifiers: Orphanet 34520, MedGen C2750786, MONDO:0013177, OMIM 613204.

Submission:

Labcorp Genetics (formerly Invitae), Labcorp
Classification: Uncertain significance for Congenital muscular dystrophy due to integrin alpha-7 deficiency. Last evaluated: 2022-07-17. Review status: criteria provided, single submitter. Criteria: Invitae Variant Classification Sherloc (09022015). Collection method: clinical testing. Allele origin: germline.
Comment: In summary, the available evidence is currently insufficient to determine the role of this variant in disease. Therefore, it has been classified as a Variant of Uncertain Significance. This sequence change replaces isoleucine, which is neutral and non-polar, with valine, which is neutral and non-polar, at codon 1117 of the ITGA7 protein (p.Ile1117Val). This variant is not present in population databases (gnomAD no frequency). This variant has not been reported in the literature in individuals affected with ITGA7-related conditions. Algorithms developed to predict the effect of missense changes on protein structure and function (SIFT, PolyPhen-2, Align-GVGD) all suggest that this variant is likely to be tolerated.